The following is an entry in ClinVar:

NM_198253.3(TERT):c.2671G>A (p.Val891Ile)

Gene: TERT (telomerase reverse transcriptase; minus strand). Cytogenetic location: 5p15.33.
Variant type: single nucleotide variant.
Coding change: c.2671G>A on transcript NM_198253.3 (MANE Select); coding-DNA position 2671, G replaced by A.
Protein change: p.Val891Ile; replaces valine 891 with isoleucine.
Molecular consequence: missense variant. On other transcripts: intron variant (1).
Genome position (GRCh38, 1-based): chr5:1,264,576, C>T on the plus strand (G>A on the coding strand, the complement: TERT is on the minus strand). VCF-style: chr5-1264576-C-T. GRCh37 (hg19) VCF-style: chr5-1264691-C-T.
Other names: c.2654+1888G>A (NM_001193376.3); short protein forms V891I.
Identifiers: ClinVar variation 1370850 (VCV001370850.3), dbSNP rs2126595366, ClinGen allele CA359072412.
Genomic context (GRCh38, chr5:1,264,576, plus strand): 5'-CTTCTACAGGGAAGTTCACCACTGTCTTCCGCAAGTTCACCACGCAGCCATACTCAGGGA[C>T]ACCTCGGACCAGGGTCCTAAGGCAGAGGGGCAATGTCAGCCCCAGGATGCGGGGCCGTCA-3'
Protein context (NP_937983.2, residues 881-901): KTFLRTLVRG[Val891Ile]PEYGCVVNLR

ClinVar aggregate classification (germline): Uncertain significance (1 of 4 stars; one submission).

Conditions:
Dyskeratosis congenita, autosomal dominant 2. Identifiers: MedGen C3151443, MONDO:0013521, OMIM 613989.
Idiopathic Pulmonary Fibrosis. Also called: Idiopathic fibrosing alveolitis, chronic form; idiopathic fibrosing alveolitis. Identifiers: Orphanet 2032, MedGen C1800706, MeSH D054990, MONDO:0800504.

Allele frequency attached by ClinVar (database versions not stated): gnomAD exomes below 0.00001.
gnomAD v4.1: 1 of 1,614,016 alleles (0.000062%); highest among the groups gnomAD compares: South Asian, 0.0011%; no homozygotes.

Submission:

Labcorp Genetics (formerly Invitae), Labcorp
Classification: Uncertain significance for Dyskeratosis congenita, autosomal dominant 2; Idiopathic Pulmonary Fibrosis. Last evaluated: 2021-07-29. Review status: criteria provided, single submitter. Criteria: Invitae Variant Classification Sherloc (09022015). Collection method: clinical testing. Allele origin: germline.
Comment: This sequence change replaces valine with isoleucine at codon 891 of the TERT protein (p.Val891Ile). The valine residue is moderately conserved and there is a small physicochemical difference between valine and isoleucine. This variant is not present in population databases (ExAC no frequency). This variant has not been reported in the literature in individuals affected with TERT-related conditions. Advanced modeling of protein sequence and biophysical properties (such as structural, functional, and spatial information, amino acid conservation, physicochemical variation, residue mobility, and thermodynamic stability) performed at Invitae indicates that this missense variant is not expected to disrupt TERT protein function. In summary, the available evidence is currently insufficient to determine the role of this variant in disease. Therefore, it has been classified as a Variant of Uncertain Significance.